The following is an entry in ClinVar:

NM_000230.3(LEP):c.226G>T (p.Asp76Tyr)

Gene: LEP (leptin; plus strand). Cytogenetic location: 7q32.1.
Variant type: single nucleotide variant.
Coding change: c.226G>T on transcript NM_000230.3 (MANE Select); coding-DNA position 226, G replaced by T.
Protein change: p.Asp76Tyr; replaces aspartic acid 76 with tyrosine.
Molecular consequence: missense variant.
Genome position (GRCh38, 1-based): chr7:128,254,485, G>T. VCF-style: chr7-128254485-G-T. GRCh37 (hg19) VCF-style: chr7-127894538-G-T.
Other names: short protein forms D76Y.
Identifiers: ClinVar variation 4984811 (VCV004984811.1).
Genomic context (GRCh38, chr7:128,254,485, plus strand): 5'-AAAGTCACCGGTTTGGACTTCATTCCTGGGCTCCACCCCATCCTGACCTTATCCAAGATG[G>T]ACCAGACACTGGCAGTCTACCAACAGATCCTCACCAGTATGCCTTCCAGAAACGTGATCC-3'
Protein context (NP_000221.1, residues 66-86): LHPILTLSKM[Asp76Tyr]QTLAVYQQIL

ClinVar aggregate classification (germline): Uncertain significance (1 of 4 stars; one submission).

Conditions:
LEP-related disorder. Also called: LEP-related condition.

gnomAD v4.1: 13 of 1,614,006 alleles (0.00081%); highest among the groups gnomAD compares: Admixed American, 0.0017%; no homozygotes.

Submission:

PreventionGenetics, part of Exact Sciences
Classification: Uncertain significance for LEP-related condition. Last evaluated: 2026-09-21. Review status: criteria provided, single submitter. Criteria: ACMG Guidelines, 2015. Collection method: clinical testing. Allele origin: germline.
Comment: The LEP c.226G>T variant is predicted to result in the amino acid substitution p.Asp76Tyr. To our knowledge, this variant has not been reported in the literature or in a large population database (gnomAD), indicating this variant is rare. At this time, the clinical significance of this variant is uncertain due to the absence of conclusive functional and genetic evidence.